The following is an entry in ClinVar:

ClinVar aggregate classification (germline): Uncertain significance (1 of 4 stars; one submission).

Submission:

Labcorp Genetics (formerly Invitae), Labcorp
Classification: Uncertain significance. Last evaluated: 2023-11-12. Review status: criteria provided, single submitter. Criteria: Invitae Variant Classification Sherloc (09022015). Collection method: clinical testing. Allele origin: germline.
Comment: This sequence change replaces leucine, which is neutral and non-polar, with valine, which is neutral and non-polar, at codon 1046 of the LAMA5 protein (p.Leu1046Val). This variant is present in population databases (no rsID available, gnomAD 0.004%). This variant has not been reported in the literature in individuals affected with LAMA5-related conditions. An algorithm developed to predict the effect of missense changes on protein structure and function (PolyPhen-2) suggests that this variant is likely to be disruptive. In summary, the available evidence is currently insufficient to determine the role of this variant in disease. Therefore, it has been classified as a Variant of Uncertain Significance.

NM_005560.6(LAMA5):c.3136C>G (p.Leu1046Val)

Gene: LAMA5 (laminin subunit alpha 5; minus strand). Cytogenetic location: 20q13.33.
Variant type: single nucleotide variant.
Coding change: c.3136C>G on transcript NM_005560.6 (MANE Select); coding-DNA position 3136, C replaced by G.
Protein change: p.Leu1046Val; replaces leucine 1046 with valine.
Molecular consequence: missense variant.
Genome position (GRCh38, 1-based): chr20:62,333,236, G>C on the plus strand (C>G on the coding strand, the complement: LAMA5 is on the minus strand). VCF-style: chr20-62333236-G-C. GRCh37 (hg19) VCF-style: chr20-60908292-G-C.
Other names: short protein forms L1046V.
Identifiers: ClinVar variation 2896306 (VCV002896306.3), dbSNP rs1158185315, ClinGen allele CA409568627.